The following is an entry in ClinVar:

ClinVar aggregate classification (germline): Benign/Likely benign. Review status: criteria provided, multiple submitters, no conflicts (2 of 4 stars). 5 submissions from 5 submitters: Benign (2); Likely benign (3). Last evaluated 2024-11-21.

Conditions:
Beck-Fahrner syndrome (BEFAHRS). Identifiers: Orphanet 684216, MedGen C5394097, MONDO:0032922, OMIM 618798.

Allele frequency attached by ClinVar (database versions not stated): gnomAD exomes 0.00037 and 0.00079; ExAC 0.00141; ESP Exome Variant Server 0.00199; gnomAD 0.00318 and 0.00329; TOPMed 0.00351; 1000 Genomes Project 0.00619; 1000 Genomes Project 30x 0.00656.
gnomAD v4.1: 1,024 of 1,555,432 alleles (0.066%); highest among the groups gnomAD compares: African/African-American, 1.1%; 2 homozygotes.

Submissions (5):

Blueprint Genetics
Classification: Likely benign. Last evaluated: 2024-11-21. Review status: criteria provided, single submitter. Criteria: ACMG Guidelines, 2015. Collection method: clinical testing. Allele origin: germline.

CeGaT Center for Human Genetics Tuebingen
Classification: Likely benign. Last evaluated: 2022-11-01. Review status: criteria provided, single submitter. Criteria: CeGaT Center For Human Genetics Tuebingen Variant Classification Criteria Version 2. Collection method: clinical testing. Allele origin: germline. Affected: yes. Observed: 1 variant allele.
Comment: TET3: BP4, BP7, BS1

Fulgent Genetics
Classification: Likely benign for Beck-Fahrner syndrome. Last evaluated: 2022-04-13. Review status: criteria provided, single submitter. Criteria: ACMG Guidelines, 2015. Collection method: clinical testing. Allele origin: unknown.

Labcorp Genetics (formerly Invitae), Labcorp
Classification: Benign. Last evaluated: 2017-08-03. Review status: criteria provided, single submitter. Criteria: Invitae Variant Classification Sherloc (09022015). Collection method: clinical testing. Allele origin: germline.

Breakthrough Genomics
Classification: Benign. Review status: criteria provided, single submitter. Criteria: ACMG Guidelines, 2015. Collection method: not provided. Allele origin: germline. Inheritance: Autosomal dominant inheritance. Affected: yes.

NM_001287491.2(TET3):c.2805C>T (p.Leu935=)

Gene: TET3 (tet methylcytosine dioxygenase 3; plus strand). Cytogenetic location: 2p13.1.
Variant type: single nucleotide variant.
Coding change: c.2805C>T on transcript NM_001287491.2 (MANE Select); coding-DNA position 2805, C replaced by T.
Protein change: p.Leu935=; no amino-acid change (leucine 935 retained).
Molecular consequence: synonymous variant.
Genome position (GRCh38, 1-based): chr2:74,087,955, C>T. VCF-style: chr2-74087955-C-T. GRCh37 (hg19) VCF-style: chr2-74315082-C-T.
Other names: c.2526C>T, p.Leu842= (NM_001366022.1).
Identifiers: ClinVar variation 790508 (VCV000790508.30), dbSNP rs115293949, ClinGen allele CA1718876.